The following is an entry in ClinVar:

ClinVar aggregate classification (germline): Likely benign (1 of 4 stars; one submission).

Submission:

Laboratory for Molecular Medicine, Mass General Brigham Personalized Medicine
Classification: Likely benign. Last evaluated: 2017-05-19. Review status: criteria provided, single submitter. Criteria: LMM Criteria. Collection method: clinical testing. Allele origin: germline. Observed: 1 variant allele.
Comment: p.Leu49Leu in exon 2 of ANKRD1: This variant is not expected to have clinical si gnificance because it does not alter an amino acid residue and is not located wi thin the splice consensus sequence.

NM_014391.3(ANKRD1):c.145C>T (p.Leu49=)

Gene: ANKRD1 (ankyrin repeat domain 1; minus strand). Cytogenetic location: 10q23.31.
Variant type: single nucleotide variant.
Coding change: c.145C>T on transcript NM_014391.3 (MANE Select); coding-DNA position 145, C replaced by T.
Protein change: p.Leu49=; no amino-acid change (leucine 49 retained).
Molecular consequence: synonymous variant.
Genome position (GRCh38, 1-based): chr10:90,920,231, G>A on the plus strand (C>T on the coding strand, the complement: ANKRD1 is on the minus strand). VCF-style: chr10-90920231-G-A. GRCh37 (hg19) VCF-style: chr10-92679988-G-A.
Identifiers: ClinVar variation 517401 (VCV000517401.4), dbSNP rs1554827991, ClinGen allele CA470766036.